The following is an entry in ClinVar:

NM_001363711.2(DUOX2):c.4246T>C (p.Phe1416Leu)

Gene: DUOX2 (dual oxidase 2; minus strand). Cytogenetic location: 15q21.1.
Variant type: single nucleotide variant.
Coding change: c.4246T>C on transcript NM_001363711.2 (MANE Select); coding-DNA position 4246, T replaced by C.
Protein change: p.Phe1416Leu; replaces phenylalanine 1416 with leucine.
Molecular consequence: missense variant.
Genome position (GRCh38, 1-based): chr15:45,095,085, A>G on the plus strand (T>C on the coding strand, the complement: DUOX2 is on the minus strand). VCF-style: chr15-45095085-A-G. GRCh37 (hg19) VCF-style: chr15-45387283-A-G.
Other names: c.4246T>C, p.Phe1416Leu (NM_014080.5); short protein forms F1416L.
Identifiers: ClinVar variation 2063830 (VCV002063830.4), dbSNP rs1893866328, ClinGen allele CA392250928.

ClinVar aggregate classification (germline): Uncertain significance (1 of 4 stars; one submission).

Submission:

Labcorp Genetics (formerly Invitae), Labcorp
Classification: Uncertain significance. Last evaluated: 2025-02-03. Review status: criteria provided, single submitter. Criteria: Invitae Variant Classification Sherloc (09022015). Collection method: clinical testing. Allele origin: germline.
Comment: This sequence change replaces phenylalanine, which is neutral and non-polar, with leucine, which is neutral and non-polar, at codon 1416 of the DUOX2 protein (p.Phe1416Leu). This variant is not present in population databases (gnomAD no frequency). This variant has not been reported in the literature in individuals affected with DUOX2-related conditions. ClinVar contains an entry for this variant (Variation ID: 2063830). Invitae Evidence Modeling of protein sequence and biophysical properties (such as structural, functional, and spatial information, amino acid conservation, physicochemical variation, residue mobility, and thermodynamic stability) indicates that this missense variant is expected to disrupt DUOX2 protein function with a positive predictive value of 95%. In summary, the available evidence is currently insufficient to determine the role of this variant in disease. Therefore, it has been classified as a Variant of Uncertain Significance.